The following is an entry in ClinVar:

NM_001009944.3(PKD1):c.7165T>C (p.Leu2389=)

Gene: PKD1 (polycystin 1, transient receptor potential channel interacting; minus strand). Cytogenetic location: 16p13.3.
Variant type: single nucleotide variant.
Coding change: c.7165T>C on transcript NM_001009944.3 (MANE Select); coding-DNA position 7165, T replaced by C.
Protein change: p.Leu2389=; no amino-acid change (leucine 2389 retained).
Molecular consequence: synonymous variant.
Genome position (GRCh38, 1-based): chr16:2,106,849, A>G on the plus strand (T>C on the coding strand, the complement: PKD1 is on the minus strand). VCF-style: chr16-2106849-A-G. GRCh37 (hg19) VCF-style: chr16-2156850-A-G.
Other names: p.Leu2389=; c.7165T>C, p.Leu2389= (NM_000296.4).
Identifiers: ClinVar variation 256997 (VCV000256997.19), dbSNP rs2457533, ClinGen allele CA7831268.

ClinVar aggregate classification (germline): Benign. Review status: criteria provided, multiple submitters, no conflicts (2 of 4 stars). 9 submissions from 9 submitters: Benign (8). 1 of the submissions does not count toward it. Last evaluated 2025-03-27.

Conditions:
Autosomal dominant polycystic kidney disease. Identifiers: Orphanet 730, MedGen C0085413, MONDO:0004691.
Polycystic kidney disease, adult type (PKD1). Also called: Polycystic Kidney, Autosomal Dominant; Polycystic Kidney Disease 1, Autosomal Dominant; Polycystic kidney disease 1; Polycystic kidney disease 1, severe; POLYCYSTIC KIDNEY DISEASE 1 WITH OR WITHOUT POLYCYSTIC LIVER DISEASE; POLYCYSTIC KIDNEY DISEASE, ADULT, TYPE I. Identifiers: MedGen C3149841, MONDO:0008263, OMIM 173900.
Polycystic kidney disease. Also called: Polycystic kidney dysplasia; Kidney, Polycystic. Identifiers: MedGen C0022680, MeSH D007690, MONDO:0020642, HP:0000113.

Allele frequency attached by ClinVar (database versions not stated): gnomAD exomes 0.14331; ExAC 0.18749; 1000 Genomes Project 0.24261; 1000 Genomes Project 30x 0.25640; gnomAD 0.26954 and 0.27959; TOPMed 0.28079.
gnomAD v4.1: 156,122 of 1,378,590 alleles (11%); highest among the groups gnomAD compares: African/African-American, 47%; 18,957 homozygotes.

Submissions (9):

Women's Health and Genetics/Laboratory Corporation of America, LabCorp
Classification: Benign. Last evaluated: 2025-03-27. Review status: criteria provided, single submitter. Criteria: LabCorp Variant Classification Summary - May 2015. Collection method: clinical testing. Allele origin: germline.

Blueprint Genetics
Classification: Benign. Last evaluated: 2024-11-27. Review status: criteria provided, single submitter. Criteria: ACMG Guidelines, 2015. Collection method: clinical testing. Allele origin: germline.

Mayo Clinic Laboratories, Mayo Clinic
Classification: Benign. Last evaluated: 2022-04-26. Review status: criteria provided, single submitter. Criteria: ACMG Guidelines, 2015. Collection method: clinical testing. Allele origin: germline. Observed: 298 variant alleles.

ARUP Laboratories, Molecular Genetics and Genomics, ARUP Laboratories
Classification: Benign for Polycystic kidney disease, adult type. Last evaluated: 2020-07-07. Review status: criteria provided, single submitter. Criteria: ARUP Molecular Germline Variant Investigation Process. Collection method: clinical testing. Allele origin: germline.

GeneDx
Classification: Benign. Last evaluated: 2019-08-29. Review status: criteria provided, single submitter. Criteria: GeneDx Variant Classification Process June 2021. Collection method: clinical testing. Allele origin: germline. Affected: yes.
Comment: This variant is associated with the following publications: (PMID: 22608885)

Molecular Genetics of Inherited Kidney Disorders Laboratory, Garvan Institute of Medical Research
Classification: Benign for Autosomal dominant polycystic kidney disease. Last evaluated: 2019-01-01. Review status: criteria provided, single submitter. Criteria: ACMG Guidelines, 2015. Collection method: research. Allele origin: germline. Affected: yes.

Breakthrough Genomics
Classification: Benign. Review status: criteria provided, single submitter. Criteria: ACMG Guidelines, 2015. Collection method: not provided. Allele origin: germline. Inheritance: Autosomal dominant inheritance. Affected: yes.

PreventionGenetics, part of Exact Sciences
Classification: Benign. Review status: criteria provided, single submitter. Criteria: ACMG Guidelines, 2015. Collection method: clinical testing. Allele origin: germline.

Department of Pathology and Laboratory Medicine, Sinai Health System
Classification: Benign for Polycystic Kidney disease. Review status: no assertion criteria provided. Collection method: clinical testing. Allele origin: unknown. Affected: yes. Observed: 1 variant allele. Study: The Canadian Open Genetics Repository (COGR). Not counted in ClinVar's aggregate classification.
Comment: The c.7165T>C , p.Leu2389Leu variant was identified in 18.75% of 8483 control alleles in the Exome Aggregation Consortium (March 14, 2016). According to ACMG guidelines for variant classification based on allele frequency, category BA1, this variant is considered benign and has not been further reviewed (Richards 2015).